The following is an entry in ClinVar:

ClinVar aggregate classification (germline): Uncertain significance (1 of 4 stars; one submission).

Submission:

GeneDx
Classification: Uncertain significance. Last evaluated: 2022-02-03. Review status: criteria provided, single submitter. Criteria: GeneDx Variant Classification Process June 2021. Collection method: clinical testing. Allele origin: germline. Affected: yes.
Comment: De novo variant with confirmed parentage; however, the reported clinical features are only partially consistent with the features typically observed in individuals with pathogenic variants in this gene; Not observed at significant frequency in large population cohorts (gnomAD); Has not been previously published as pathogenic or benign to our knowledge; In silico analysis supports that this missense variant has a deleterious effect on protein structure/function

NM_001378452.1(ITPR1):c.5595T>A (p.Phe1865Leu)

Gene: ITPR1 (inositol 1,4,5-trisphosphate receptor type 1; plus strand). Cytogenetic location: 3p26.1.
Variant type: single nucleotide variant.
Coding change: c.5595T>A on transcript NM_001378452.1 (MANE Select); coding-DNA position 5595, T replaced by A.
Protein change: p.Phe1865Leu; replaces phenylalanine 1865 with leucine.
Molecular consequence: missense variant.
Genome position (GRCh38, 1-based): chr3:4,766,580, T>A. VCF-style: chr3-4766580-T-A. GRCh37 (hg19) VCF-style: chr3-4808264-T-A.
Other names: c.5451T>A, p.Phe1817Leu (NM_001099952.4); c.5550T>A, p.Phe1850Leu (NM_001168272.2); c.5406T>A, p.Phe1802Leu (NM_002222.7); short protein forms F1802L, F1817L, F1850L, F1865L.
Identifiers: ClinVar variation 1704176 (VCV001704176.2), dbSNP rs2470038205, ClinGen allele CA351633459.